The following is an entry in ClinVar:

NM_000419.5(ITGA2B):c.2172G>A (p.Met724Ile)

Gene: ITGA2B (integrin subunit alpha 2b; minus strand). Cytogenetic location: 17q21.31.
Variant type: single nucleotide variant.
Coding change: c.2172G>A on transcript NM_000419.5 (MANE Select); coding-DNA position 2172, G replaced by A.
Protein change: p.Met724Ile; replaces methionine 724 with isoleucine.
Molecular consequence: missense variant.
Genome position (GRCh38, 1-based): chr17:44,377,713, C>T on the plus strand (G>A on the coding strand, the complement: ITGA2B is on the minus strand). VCF-style: chr17-44377713-C-T. GRCh37 (hg19) VCF-style: chr17-42455081-C-T.
Other names: NM_000419.5:c.2172G>A; short protein forms M724I.
Identifiers: ClinVar variation 1330343 (VCV001330343.2), dbSNP rs2143447323, ClinGen allele CA399798895.

ClinVar aggregate classification (germline): Likely pathogenic (3 of 4 stars; one submission).

Conditions:
Glanzmann thrombasthenia. Also called: THROMBASTHENIA OF GLANZMANN AND NAEGELI; BLEEDING DISORDER, PLATELET-TYPE, 2; Thrombasthenia; PLATELET GLYCOPROTEIN IIb-IIIa DEFICIENCY; Glanzmann's thrombasthenia. Identifiers: Orphanet 849, MedGen C0040015, MONDO:0100326.

Submission:

ClinGen Platelet Disorders Variant Curation Expert Panel, ClinGen
Classification: Likely pathogenic for Glanzmann thrombasthenia. Last evaluated: 2024-10-15. Review status: reviewed by expert panel. Criteria: ClinGen Platelet ACMG Specifications v2-1. Collection method: curation. Allele origin: germline. Inheritance: Autosomal recessive inheritance.
Comment: Missense variant NM_000419.5(ITGA2B):c.2172G>A (p.Met724Ile) has been identified in at least 2 probands, including GT6 of PMID: 29675921 meeting the criteria for PP4_strong criteria. Patient 440 of the GT database is homozygous for Met724Ile (PM3_supporting). This variant is absent from gnomAD v4.1 (PM2_Supporting). In summary, this variant meets the criteria to be classified as Likely Pathogenic for autosomal recessive Glanzmann Thrombasthenia based on the ACMG/AMP criteria applied, as specified by the ClinGen PD VCEP: PM3_supporting, PM2_supporting, PP4_strong. (VCEP specifications version 2)